The following is an entry in ClinVar:

NM_000059.4(BRCA2):c.6786G>T (p.Met2262Ile)

Gene: BRCA2 (BRCA2 DNA repair associated; plus strand). Cytogenetic location: 13q13.1.
Variant type: single nucleotide variant.
Coding change: c.6786G>T on transcript NM_000059.4 (MANE Select); coding-DNA position 6786, G replaced by T.
Protein change: p.Met2262Ile; replaces methionine 2262 with isoleucine.
Molecular consequence: missense variant. On other transcripts: non-coding transcript variant (1), intron variant (2).
Genome position (GRCh38, 1-based): chr13:32,341,141, G>T. VCF-style: chr13-32341141-G-T. GRCh37 (hg19) VCF-style: chr13-32915278-G-T.
Other names: c.6786G>T, p.Met2262Ile (NM_001406719.1, NM_001406720.1, NM_001432077.1); c.1910-3417G>T (NM_001406721.1); c.425-3417G>T (NM_001406722.1); short protein forms M2262I.
Identifiers: ClinVar variation 4856441 (VCV004856441.1).

ClinVar aggregate classification (germline): Likely benign (1 of 4 stars; one submission).

Conditions:
Breast-ovarian cancer, familial, susceptibility to, 2 (BROVCA2). Also called: BRCA2 Hereditary Breast and Ovarian Cancer. Identifiers: Orphanet 145, MedGen C2675520, MONDO:0012933, OMIM 612555. Disease mechanism: loss of function.

gnomAD v4.1: 1 of 1,613,892 alleles (0.000062%); highest among the groups gnomAD compares: South Asian, 0.0011%; no homozygotes.

Submission:

Cancer Bioinformatics and Tumour Evolution Laboratory, Monash University
Classification: Likely benign for Breast-ovarian cancer, familial, susceptibility to, 2. Last evaluated: 2026-05-01. Review status: criteria provided, single submitter. Criteria: ClinGen BRCA1 and BRCA2 Guidelines, 2024. Collection method: curation. Allele origin: germline. Inheritance: Autosomal dominant inheritance.
Comment: Missense variant outside of a functional domain with no splice impact. BRCA1 and BRCA2 VCEP guidelines recommend application of BP1_Strong (PMID: 39142283)